The following is an entry in ClinVar:

ClinVar aggregate classification (germline): Likely pathogenic (1 of 4 stars; one submission).

Conditions:
Fanconi anemia complementation group G. Also called: FANCG-Related Fanconi Anemia; Fanconi anemia group G. Identifiers: Orphanet 84, MedGen C3469527, MONDO:0013565, OMIM 614082.

gnomAD v4.1: 1 of 1,613,988 alleles (0.000062%); highest among the groups gnomAD compares: South Asian, 0.0011%; no homozygotes.

Submission:

Natera, Inc.
Classification: Likely pathogenic for Fanconi anemia group G. Last evaluated: 2025-12-19. Review status: criteria provided, single submitter. Criteria: Natera Variant Classification Schema (03/2026). Collection method: clinical testing. Allele origin: germline.
Comment: The c.1305G>A variant in FANCG is a nonsense variant predicted to introduce a stop codon at amino acid 435. This variant is expected to result in nonsense mediated decay, truncation, or a dysfunctional protein product. This variant is rare in the general population with a frequency below the threshold expected for the associated phenotype(s). Given the available evidence, this variant is classified as Likely Pathogenic.

NM_004629.2(FANCG):c.1305G>A (p.Trp435Ter)

Gene: FANCG (FA complementation group G; minus strand). Cytogenetic location: 9p13.3.
Variant type: single nucleotide variant.
Coding change: c.1305G>A on transcript NM_004629.2 (MANE Select); coding-DNA position 1305, G replaced by A.
Protein change: p.Trp435Ter; replaces tryptophan 435 with a stop codon.
Molecular consequence: nonsense.
Genome position (GRCh38, 1-based): chr9:35,075,593, C>T on the plus strand (G>A on the coding strand, the complement: FANCG is on the minus strand). VCF-style: chr9-35075593-C-T. GRCh37 (hg19) VCF-style: chr9-35075590-C-T.
Other names: short protein forms W435*.
Identifiers: ClinVar variation 4815366 (VCV004815366.1).
Genomic context (GRCh38, chr9:35,075,593, plus strand): 5'-GGTGGCAGAGACCCAGAGTGGGCAGTATGGCAGTTCCTTGGTTCCTTTTCTGGCATCTTC[C>T]CACAGCCGGGACATCTTGGGTAGCAGAGATGATGTGCGGCTGAGCAACTCCTCACATAGA-3'